The following is an entry in ClinVar:

ClinVar aggregate classification (germline): Uncertain significance. Review status: criteria provided, multiple submitters, no conflicts (2 of 4 stars). 2 submissions from 2 submitters: Uncertain significance (2). Last evaluated 2024-10-22.

Conditions:
Diffuse cerebral and cerebellar atrophy - intractable seizures - progressive microcephaly syndrome. Also called: Microcephaly, progressive, with seizures and cerebral and cerebellar atrophy. Identifiers: Orphanet 404437, MedGen C4014239, MONDO:0014335, OMIM 615760.
Inborn genetic diseases. Identifiers: MedGen C0950123, MeSH D030342.

Allele frequency attached by ClinVar (database versions not stated): ExAC 0.00002; TOPMed 0.00002.

Submissions (2):

Labcorp Genetics (formerly Invitae), Labcorp
Classification: Uncertain significance for Diffuse cerebral and cerebellar atrophy - intractable seizures - progressive microcephaly syndrome. Last evaluated: 2024-10-22. Review status: criteria provided, single submitter. Criteria: Invitae Variant Classification Sherloc (09022015). Collection method: clinical testing. Allele origin: germline.
Comment: This sequence change replaces arginine, which is basic and polar, with glutamine, which is neutral and polar, at codon 195 of the QARS protein (p.Arg195Gln). This variant is present in population databases (rs781731563, gnomAD 0.006%). This variant has not been reported in the literature in individuals affected with QARS-related conditions. ClinVar contains an entry for this variant (Variation ID: 1369235). Invitae Evidence Modeling of protein sequence and biophysical properties (such as structural, functional, and spatial information, amino acid conservation, physicochemical variation, residue mobility, and thermodynamic stability) has been performed for this missense variant. However, the output from this modeling did not meet the statistical confidence thresholds required to predict the impact of this variant on QARS protein function. In summary, the available evidence is currently insufficient to determine the role of this variant in disease. Therefore, it has been classified as a Variant of Uncertain Significance.

Ambry Genetics
Classification: Uncertain significance for Inborn genetic diseases. Last evaluated: 2024-07-09. Review status: criteria provided, single submitter. Criteria: Ambry Variant Classification Scheme 2023. Collection method: clinical testing. Allele origin: germline.

NM_005051.3(QARS1):c.584G>A (p.Arg195Gln)

Gene: QARS1 (glutaminyl-tRNA synthetase 1; minus strand). Cytogenetic location: 3p21.31.
Variant type: single nucleotide variant.
Coding change: c.584G>A on transcript NM_005051.3 (MANE Select); coding-DNA position 584, G replaced by A.
Protein change: p.Arg195Gln; replaces arginine 195 with glutamine.
Molecular consequence: missense variant. On other transcripts: non-coding transcript variant (1).
Genome position (GRCh38, 1-based): chr3:49,102,252, C>T on the plus strand (G>A on the coding strand, the complement: QARS1 is on the minus strand). VCF-style: chr3-49102252-C-T. GRCh37 (hg19) VCF-style: chr3-49139685-C-T.
Other names: c.551G>A, p.Arg184Gln (NM_001272073.2); c.584G>A (NM_005051.1); short protein forms R184Q, R195Q.
Identifiers: ClinVar variation 1369235 (VCV001369235.5), dbSNP rs781731563, ClinGen allele CA2392095.